The following is an entry in ClinVar:

NM_001080432.3(FTO):c.400G>A (p.Ala134Thr)

Gene: FTO (FTO alpha-ketoglutarate dependent dioxygenase; plus strand). Cytogenetic location: 16q12.2.
Variant type: single nucleotide variant.
Coding change: c.400G>A on transcript NM_001080432.3 (MANE Select); coding-DNA position 400, G replaced by A.
Protein change: p.Ala134Thr; replaces alanine 134 with threonine.
Molecular consequence: missense variant.
Genome position (GRCh38, 1-based): chr16:53,826,140, G>A. VCF-style: chr16-53826140-G-A. GRCh37 (hg19) VCF-style: chr16-53860052-G-A.
Other names: c.400G>A, p.Ala134Thr (NM_001363891.2, NM_001363894.2, NM_001363896.2 and 6 more transcripts); c.322G>A, p.Ala108Thr (NM_001363897.2); c.-114G>A (NM_001363905.2); short protein forms A134T, A108T.
Identifiers: ClinVar variation 319681 (VCV000319681.14), dbSNP rs79206939, ClinGen allele CA8058372.
Genomic context (GRCh38, chr16:53,826,140, plus strand): 5'-TTTACGGTCCCCTGGCCAGTGAAAGGGTCTAATATAAAACACACCGAGGCTGAAATAGCC[G>A]CTGCTTGTGAGACCTTCCTCAAGCTCAATGACTACCTGCAGATAGAAACCATCCAGGCTT-3'
Protein context (NP_001073901.1, residues 124-144): NIKHTEAEIA[Ala134Thr]ACETFLKLND

ClinVar aggregate classification (germline): Benign. Review status: criteria provided, multiple submitters, no conflicts (2 of 4 stars). 3 submissions from 3 submitters: Benign (3). Last evaluated 2025-12-06.

Conditions:
Lethal polymalformative syndrome, Boissel type. Also called: GROWTH RETARDATION, DEVELOPMENTAL DELAY, AND FACIAL DYSMORPHISM. Identifiers: Orphanet 210144, MedGen C2752001, MONDO:0013050, OMIM 612938.

Allele frequency attached by ClinVar (database versions not stated): ESP Exome Variant Server 0.00023; gnomAD 0.00065 and 0.00088; gnomAD exomes 0.00078 and 0.00212; TOPMed 0.00110; ExAC 0.00212; 1000 Genomes Project 30x 0.00406; 1000 Genomes Project 0.00439.
gnomAD v4.1: 1,303 of 1,614,138 alleles (0.081%); highest among the groups gnomAD compares: East Asian, 2.5%; 18 homozygotes.

Submissions (3):

Labcorp Genetics (formerly Invitae), Labcorp
Classification: Benign. Last evaluated: 2025-12-06. Review status: criteria provided, single submitter. Criteria: Invitae Variant Classification Sherloc (09022015). Collection method: clinical testing. Allele origin: germline.

Illumina Laboratory Services, Illumina
Classification: Benign for Lethal polymalformative syndrome, Boissel type. Last evaluated: 2018-01-13. Review status: criteria provided, single submitter. Criteria: ICSL Variant Classification Criteria 13 December 2019. Collection method: clinical testing. Allele origin: germline.
Comment: This variant was observed in the ICSL laboratory as part of a predisposition screen in an ostensibly healthy population. It had not been previously curated by ICSL or reported in the Human Gene Mutation Database (HGMD: prior to June 1st, 2018), and was therefore a candidate for classification through an automated scoring system. Utilizing variant allele frequency, disease prevalence and penetrance estimates, and inheritance mode, an automated score was calculated to assess if this variant is too frequent to cause the disease. Based on the score and internal cut-off values, a variant classified as benign is not then subjected to further curation. The score for this variant resulted in a classification of benign for this disease.

Breakthrough Genomics
Classification: Benign. Review status: criteria provided, single submitter. Criteria: ACMG Guidelines, 2015. Collection method: not provided. Allele origin: germline. Inheritance: Autosomal recessive inheritance. Affected: yes.